The following is an entry in ClinVar:

ClinVar aggregate classification (germline): Uncertain significance. Review status: criteria provided, multiple submitters, no conflicts (2 of 4 stars). 2 submissions from 2 submitters: Uncertain significance (2). Last evaluated 2024-12-31.

Conditions:
Encephalopathy, acute, infection-induced (herpes-specific), susceptibility to, 6. Also called: Herpes simplex encephalitis, susceptibility to, 4. Identifiers: Orphanet 1930, MedGen C3553869, MONDO:0013921, OMIM 614850.

gnomAD v4.1: 1 of 1,592,610 alleles (0.000063%); highest among the groups gnomAD compares: Non-Finnish European, 0.000085%; no homozygotes.

Submissions (2):

Labcorp Genetics (formerly Invitae), Labcorp
Classification: Uncertain significance for Encephalopathy, acute, infection-induced (herpes-specific), susceptibility to, 6. Last evaluated: 2024-12-31. Review status: criteria provided, single submitter. Criteria: Invitae Variant Classification Sherloc (09022015). Collection method: clinical testing. Allele origin: germline.
Comment: This sequence change replaces glycine, which is neutral and non-polar, with glutamic acid, which is acidic and polar, at codon 226 of the TICAM1 protein (p.Gly226Glu). This variant is not present in population databases (gnomAD no frequency). This variant has not been reported in the literature in individuals affected with TICAM1-related conditions. An algorithm developed to predict the effect of missense changes on protein structure and function (PolyPhen-2) suggests that this variant is likely to be tolerated. In summary, the available evidence is currently insufficient to determine the role of this variant in disease. Therefore, it has been classified as a Variant of Uncertain Significance.

Ambry Genetics
Classification: Uncertain significance. Last evaluated: 2024-10-20. Review status: criteria provided, single submitter. Criteria: Ambry Variant Classification Scheme 2023. Collection method: clinical testing. Allele origin: germline.

NM_182919.4(TICAM1):c.677G>A (p.Gly226Glu)

Gene: TICAM1 (TIR domain containing adaptor molecule 1; minus strand). Cytogenetic location: 19p13.3.
Variant type: single nucleotide variant.
Coding change: c.677G>A on transcript NM_182919.4 (MANE Select); coding-DNA position 677, G replaced by A.
Protein change: p.Gly226Glu; replaces glycine 226 with glutamic acid.
Molecular consequence: missense variant.
Genome position (GRCh38, 1-based): chr19:4,817,701, C>T on the plus strand (G>A on the coding strand, the complement: TICAM1 is on the minus strand). VCF-style: chr19-4817701-C-T. GRCh37 (hg19) VCF-style: chr19-4817713-C-T.
Other names: c.635G>A, p.Gly212Glu (NM_001385678.1); c.542G>A, p.Gly181Glu (NM_001385679.1); c.35G>A, p.Gly12Glu (NM_001385680.1); short protein forms G12E, G226E, G181E, G212E.
Identifiers: ClinVar variation 3456449 (VCV003456449.3).